The following is an entry in ClinVar:

ClinVar aggregate classification (germline): Conflicting classifications of pathogenicity. Review status: criteria provided, conflicting classifications (1 of 4 stars). 2 submissions from 2 submitters: Uncertain significance (1); Likely benign (1). Last evaluated 2024-10-22.

Conditions:
Inborn genetic diseases. Identifiers: MedGen C0950123, MeSH D030342.

Allele frequency attached by ClinVar (database versions not stated): gnomAD exomes below 0.00001; ExAC 0.00001.
gnomAD v4.1: 9 of 1,612,602 alleles (0.00056%); highest among the groups gnomAD compares: Non-Finnish European, 0.00034%; no homozygotes.

Submissions (2):

Labcorp Genetics (formerly Invitae), Labcorp
Classification: Uncertain significance. Last evaluated: 2024-10-22. Review status: criteria provided, single submitter. Criteria: Invitae Variant Classification Sherloc (09022015). Collection method: clinical testing. Allele origin: germline.
Comment: This sequence change replaces tryptophan, which is neutral and slightly polar, with arginine, which is basic and polar, at codon 212 of the ADAMTS17 protein (p.Trp212Arg). This variant is present in population databases (rs759640649, gnomAD 0.01%). This variant has not been reported in the literature in individuals affected with ADAMTS17-related conditions. ClinVar contains an entry for this variant (Variation ID: 1509769). An algorithm developed to predict the effect of missense changes on protein structure and function outputs the following: PolyPhen-2: "Benign". The arginine amino acid residue is found in multiple mammalian species, which suggests that this missense change does not adversely affect protein function. In summary, the available evidence is currently insufficient to determine the role of this variant in disease. Therefore, it has been classified as a Variant of Uncertain Significance.

Ambry Genetics
Classification: Likely benign for Inborn genetic diseases. Last evaluated: 2022-05-25. Review status: criteria provided, single submitter. Criteria: Ambry Variant Classification Scheme 2023. Collection method: clinical testing. Allele origin: germline.

NM_139057.4(ADAMTS17):c.634T>C (p.Trp212Arg)

Gene: ADAMTS17 (ADAM metallopeptidase with thrombospondin type 1 motif 17; minus strand). Cytogenetic location: 15q26.3.
Variant type: single nucleotide variant.
Coding change: c.634T>C on transcript NM_139057.4 (MANE Select); coding-DNA position 634, T replaced by C.
Protein change: p.Trp212Arg; replaces tryptophan 212 with arginine.
Molecular consequence: missense variant.
Genome position (GRCh38, 1-based): chr15:100,281,384, A>G on the plus strand (T>C on the coding strand, the complement: ADAMTS17 is on the minus strand). VCF-style: chr15-100281384-A-G. GRCh37 (hg19) VCF-style: chr15-100821589-A-G.
Other names: c.634T>C (NM_139057.2); short protein forms W212R.
Identifiers: ClinVar variation 1509769 (VCV001509769.5), dbSNP rs759640649, ClinGen allele CA7758634.
Genomic context (GRCh38, chr15:100,281,384, plus strand): 5'-GCTCGCTGGTGAGCCGGATAGCGTTCCTCCGCTCCCGCCAGTCCCGCGAAGGCCTGCCCC[A>G]CGTCGGCTTCTTCTTTTCTAGAAAATGATGGAAACATTTGTGCGGTCCTTGGCTTACTGA-3'
Protein context (NP_620688.2, residues 202-222): KVLTEKKKPT[Trp212Arg]GRPSRDWRER